The following is an entry in ClinVar:

NM_000540.3(RYR1):c.9396C>T (p.Thr3132=)

Gene: RYR1 (ryanodine receptor 1; plus strand). Cytogenetic location: 19q13.2.
Variant type: single nucleotide variant.
Coding change: c.9396C>T on transcript NM_000540.3 (MANE Select); coding-DNA position 9396, C replaced by T.
Protein change: p.Thr3132=; no amino-acid change (threonine 3132 retained).
Molecular consequence: synonymous variant.
Genome position (GRCh38, 1-based): chr19:38,512,407, C>T. VCF-style: chr19-38512407-C-T. GRCh37 (hg19) VCF-style: chr19-39003047-C-T.
Other names: c.9396C>T, p.Thr3132= (NM_001042723.2).
Identifiers: ClinVar variation 3385504 (VCV003385504.1).

ClinVar aggregate classification (germline): Likely benign (1 of 4 stars; one submission).

Conditions:
Malignant hyperthermia, susceptibility to, 1 (MHS1). Also called: Anesthesia related hyperthermia; Malignant hyperpyrexia; Fulminating hyperpyrexia; Pharmacogenic myopathy; Malignant hyperthermia suceptibility 1; RYR1-Related Malignant Hyperthermia Susceptibility. Identifiers: Orphanet 423, MedGen C2930980, MONDO:0007783, OMIM 145600.

Submission:

All of Us Research Program, National Institutes of Health
Classification: Likely benign for Malignant hyperthermia, susceptibility to, 1. Last evaluated: 2024-08-30. Review status: criteria provided, single submitter. Criteria: ACMG Guidelines, 2015. Collection method: clinical testing. Allele origin: germline. Inheritance: Autosomal dominant inheritance. Observed: 1 variant allele, 1 heterozygote.
Comment: This study involves interpretation of variants in research participants for the purpose of population health screening. Participant phenotype was not available at the time of variant classification. Additional details can be found in publication PMID: 35346344, PMCID: PMC8962531